The following is an entry in ClinVar:

ClinVar aggregate classification (germline): Uncertain significance (1 of 4 stars; one submission).

Submission:

GeneDx
Classification: Uncertain significance. Last evaluated: 2020-06-30. Review status: criteria provided, single submitter. Criteria: GeneDx Variant Classification Process June 2021. Collection method: clinical testing. Allele origin: germline. Affected: yes.
Comment: Not observed in large population cohorts (Lek et al., 2016); In silico analysis supports that this missense variant has a deleterious effect on protein structure/function; Missense variants in this gene are often considered pathogenic (Stenson et al., 2014); Has not been previously published as pathogenic or benign to our knowledge

NM_001614.5(ACTG1):c.1051A>G (p.Thr351Ala)

Gene: ACTG1 (actin gamma 1; minus strand). Cytogenetic location: 17q25.3.
Variant type: single nucleotide variant.
Coding change: c.1051A>G on transcript NM_001614.5 (MANE Select); coding-DNA position 1051, A replaced by G.
Protein change: p.Thr351Ala; replaces threonine 351 with alanine.
Molecular consequence: missense variant. On other transcripts: non-coding transcript variant (1).
Genome position (GRCh38, 1-based): chr17:81,510,767, T>C on the plus strand (A>G on the coding strand, the complement: ACTG1 is on the minus strand). VCF-style: chr17-81510767-T-C. GRCh37 (hg19) VCF-style: chr17-79477793-T-C.
Other names: c.1051A>G, p.Thr351Ala (NM_001199954.3); short protein forms T351A.
Identifiers: ClinVar variation 1302950 (VCV001302950.2), dbSNP rs727502880, ClinGen allele CA401458197.